The following is an entry in ClinVar:

NM_000052.7(ATP7A):c.1537G>T (p.Glu513Ter)

Gene: ATP7A (ATPase copper transporting alpha; plus strand). Cytogenetic location: Xq21.1.
Variant type: single nucleotide variant.
Coding change: c.1537G>T on transcript NM_000052.7 (MANE Select); coding-DNA position 1537, G replaced by T.
Protein change: p.Glu513Ter; replaces glutamic acid 513 with a stop codon.
Molecular consequence: nonsense.
Genome position (GRCh38, 1-based): chrX:77,998,678, G>T. VCF-style: chrX-77998678-G-T. GRCh37 (hg19) VCF-style: chrX-77254175-G-T.
Other names: c.1537G>T, p.Glu513Ter (NM_001282224.2); short protein forms E513*.
Identifiers: ClinVar variation 581017 (VCV000581017.9), dbSNP rs1569549699, ClinGen allele CA413595141.

ClinVar aggregate classification (germline): Pathogenic (1 of 4 stars; one submission).

Conditions:
Menkes kinky-hair syndrome (MNK). Also called: Menkes Disease; Copper transport disease; Classic Menkes Disease. Identifiers: Orphanet 565, MedGen C0022716, MONDO:0010651, OMIM 309400.
Cutis laxa, X-linked (OHS). Also called: EDS IX; Occipital horn syndrome. Identifiers: Orphanet 198, MedGen C0268353, MONDO:0010572, OMIM 304150.
X-linked distal spinal muscular atrophy type 3. Also called: ATP7A-Related Distal Motor Neuropathy; NEURONOPATHY, DISTAL HEREDITARY MOTOR, X-LINKED; NEUROPATHY, DISTAL HEREDITARY MOTOR, X-LINKED; SPINAL MUSCULAR ATROPHY, DISTAL, X-LINKED RECESSIVE. Identifiers: Orphanet 139557, MedGen C1845359, MONDO:0010338, OMIM 300489.

Submission:

Labcorp Genetics (formerly Invitae), Labcorp
Classification: Pathogenic for X-linked distal spinal muscular atrophy type 3; Cutis laxa, X-linked; Menkes kinky-hair syndrome. Last evaluated: 2024-05-23. Review status: criteria provided, single submitter. Criteria: Invitae Variant Classification Sherloc (09022015). Collection method: clinical testing. Allele origin: germline.
Comment: This sequence change creates a premature translational stop signal (p.Glu513*) in the ATP7A gene. It is expected to result in an absent or disrupted protein product. Loss-of-function variants in ATP7A are known to be pathogenic (PMID: 11241493, 20652413). This variant is not present in population databases (gnomAD no frequency). This variant has not been reported in the literature in individuals affected with ATP7A-related conditions. ClinVar contains an entry for this variant (Variation ID: 581017). Algorithms developed to predict the effect of sequence changes on RNA splicing suggest that this variant may create or strengthen a splice site. For these reasons, this variant has been classified as Pathogenic.

Literature cited by the submitters: PubMed 11241493; PubMed 20652413.